The following is an entry in ClinVar:

ClinVar aggregate classification (germline): Uncertain significance. Review status: criteria provided, multiple submitters, no conflicts (2 of 4 stars). 2 submissions from 2 submitters: Uncertain significance (2). Last evaluated 2024-05-17.

Submissions (2):

Blueprint Genetics
Classification: Uncertain significance. Last evaluated: 2024-05-17. Review status: criteria provided, single submitter. Criteria: ACMG Guidelines, 2015. Collection method: clinical testing. Allele origin: germline.

Labcorp Genetics (formerly Invitae), Labcorp
Classification: Uncertain significance. Last evaluated: 2024-01-02. Review status: criteria provided, single submitter. Criteria: Invitae Variant Classification Sherloc (09022015). Collection method: clinical testing. Allele origin: germline.
Comment: This variant, c.3374_3382del, results in the deletion of 3 amino acid(s) of the TTLL5 protein (p.Asn1125_Tyr1127del), but otherwise preserves the integrity of the reading frame. This variant is present in population databases (rs779761398, gnomAD 0.03%), including at least one homozygous and/or hemizygous individual. This variant has not been reported in the literature in individuals affected with TTLL5-related conditions. ClinVar contains an entry for this variant (Variation ID: 852730). Experimental studies and prediction algorithms are not available or were not evaluated, and the functional significance of this variant is currently unknown. In summary, the available evidence is currently insufficient to determine the role of this variant in disease. Therefore, it has been classified as a Variant of Uncertain Significance.

NM_015072.5(TTLL5):c.3374_3382del (p.Asn1125_Tyr1127del)

Gene: TTLL5 (tubulin tyrosine ligase like 5; plus strand). Cytogenetic location: 14q24.3.
Variant type: Deletion.
Coding change: c.3374_3382del on transcript NM_015072.5 (MANE Select); coding-DNA positions 3374 to 3382, 9 bases deleted (ACGTGTACA; older notation c.3374_3382delACGTGTACA).
Protein change: p.Asn1125_Tyr1127del.
Molecular consequence: inframe deletion.
Genome position (GRCh38, 1-based): chr14:75,863,714-75,863,722, ACGTGTACA deleted; deleting any 9 consecutive bases within chr14:75,863,711-75,863,722 gives the same sequence; the c. name uses the placement nearest the transcript's 3' end. VCF-style (leftmost placement, unchanged base first): chr14-75863710-AACAACGTGT-A. GRCh37 (hg19) VCF-style: chr14-76330053-AACAACGTGT-A.
Identifiers: ClinVar variation 852730 (VCV000852730.6), dbSNP rs779761398, ClinGen allele CA7279996.